The following is an entry in ClinVar:

ClinVar aggregate classification (germline): Pathogenic (1 of 4 stars; one submission).

Conditions:
Duchenne muscular dystrophy (DMD). Also called: Duchenne Muscular Dystrophy (DMD); MUSCULAR DYSTROPHY, PSEUDOHYPERTROPHIC PROGRESSIVE, DUCHENNE TYPE. Identifiers: Orphanet 98896, MedGen C0013264, MONDO:0010679, OMIM 310200.

Submission:

Labcorp Genetics (formerly Invitae), Labcorp
Classification: Pathogenic for Duchenne muscular dystrophy. Last evaluated: 2023-02-20. Review status: criteria provided, single submitter. Criteria: Invitae Variant Classification Sherloc (09022015). Collection method: clinical testing. Allele origin: germline.
Comment: This variant results in a copy number gain of the genomic region encompassing exon(s) 22-23 of the DMD gene. While the exact position of this variant cannot be determined from the data, sub-genic copy number gains are generally in tandem (PMID: 25640679). This variant is predicted to be out-of-frame, and may result in an absent or disrupted protein product. Loss-of-function variants in DMD are known to be pathogenic (PMID: 16770791, 25007885). A similar copy number variant has been observed in individuals with clinical features of DMD-related conditions (Invitae). For these reasons, this variant has been classified as Pathogenic.

Literature cited by the submitters: PubMed 25640679; PubMed 16770791; PubMed 25007885.

NC_000023.10:g.(?_32486595)_(32490446_?)dup

Gene: DMD (dystrophin; minus strand). Cytogenetic location: Xp21.1.
Variant type: Duplication.
Identifiers: ClinVar variation 1511235 (VCV001511235.8).